The following is an entry in ClinVar:

NM_022336.4(EDAR):c.607G>A (p.Val203Ile)

Genes: EDAR (ectodysplasin A receptor; minus strand), RANBP2 (RAN binding protein 2; plus strand). Cytogenetic location: 2q13.
Variant type: single nucleotide variant.
Coding change: c.607G>A on transcript NM_022336.4 (MANE Select); coding-DNA position 607, G replaced by A.
Protein change: p.Val203Ile; replaces valine 203 with isoleucine.
Molecular consequence: missense variant.
Genome position (GRCh38, 1-based): chr2:108,910,995, C>T on the plus strand (G>A on the coding strand, the complement: EDAR is on the minus strand). VCF-style: chr2-108910995-C-T. GRCh37 (hg19) VCF-style: chr2-109527451-C-T.
Other names: short protein forms V203I.
Identifiers: ClinVar variation 330709 (VCV000330709.12), dbSNP rs148212997, ClinGen allele CA1825016.

ClinVar aggregate classification (germline): Uncertain significance. Review status: criteria provided, multiple submitters, no conflicts (2 of 4 stars). 4 submissions from 4 submitters: Uncertain significance (4). Last evaluated 2024-03-08.

Conditions:
Ectodermal dysplasia 10A, hypohidrotic/hair/nail type, autosomal dominant (ECTD10A). Also called: Ectodermal Dysplasia 3, Anhidrotic. Identifiers: Orphanet 1810, Orphanet 238468, MedGen C3888065, MONDO:0007509, OMIM 129490.
Autosomal recessive hypohidrotic ectodermal dysplasia syndrome. Also called: Autosomal recessive hypohidrotic ectodermal dysplasia. Identifiers: Orphanet 248, MedGen C0406702, MONDO:0016619.
Inborn genetic diseases. Identifiers: MedGen C0950123, MeSH D030342.
Hypohidrotic ectodermal dysplasia (HED). Identifiers: Orphanet 238468, MedGen C5848103, MONDO:0016535, HP:0007607.

Allele frequency attached by ClinVar (database versions not stated): gnomAD 0.00024 and 0.00019; ESP Exome Variant Server 0.00031; ExAC 0.00014; gnomAD exomes 0.00034 and 0.00010; TOPMed 0.00020.
gnomAD v4.1: 504 of 1,613,952 alleles (0.031%); highest among the groups gnomAD compares: Non-Finnish European, 0.039%; 1 homozygote.

Submissions (4):

Labcorp Genetics (formerly Invitae), Labcorp
Classification: Uncertain significance for Ectodermal dysplasia 10A, hypohidrotic/hair/nail type, autosomal dominant; Autosomal recessive hypohidrotic ectodermal dysplasia syndrome. Last evaluated: 2024-03-08. Review status: criteria provided, single submitter. Criteria: Invitae Variant Classification Sherloc (09022015). Collection method: clinical testing. Allele origin: germline.
Comment: This sequence change replaces valine, which is neutral and non-polar, with isoleucine, which is neutral and non-polar, at codon 203 of the EDAR protein (p.Val203Ile). This variant is present in population databases (rs148212997, gnomAD 0.04%). This variant has not been reported in the literature in individuals affected with EDAR-related conditions. ClinVar contains an entry for this variant (Variation ID: 330709). Advanced modeling of protein sequence and biophysical properties (such as structural, functional, and spatial information, amino acid conservation, physicochemical variation, residue mobility, and thermodynamic stability) has been performed at Invitae for this missense variant, however the output from this modeling did not meet the statistical confidence thresholds required to predict the impact of this variant on EDAR protein function. In summary, the available evidence is currently insufficient to determine the role of this variant in disease. Therefore, it has been classified as a Variant of Uncertain Significance.

Ambry Genetics
Classification: Uncertain significance for Inborn genetic diseases. Last evaluated: 2021-10-20. Review status: criteria provided, single submitter. Criteria: Ambry Variant Classification Scheme 2023. Collection method: clinical testing. Allele origin: germline.

Illumina Laboratory Services, Illumina
Classification: Uncertain significance for Hypohidrotic ectodermal dysplasia. Last evaluated: 2018-01-12. Review status: criteria provided, single submitter. Criteria: ICSL Variant Classification Criteria 13 December 2019. Collection method: clinical testing. Allele origin: germline.

GeneDx
Classification: Uncertain significance. Last evaluated: 2017-10-25. Review status: criteria provided, single submitter. Criteria: GeneDx Variant Classification (06012015). Collection method: clinical testing. Allele origin: germline. Affected: yes.
Comment: The V203I variant has not been published as a pathogenic variant, nor has it been reported as a benign variant to our knowledge. The variant is observed in 9/24008 (0.038%) alleles from individuals of African background in large population cohorts (Lek et al., 2016). V203I is a conservative amino acid substitution, which is not likely to impact secondary protein structure as these residues share similar properties. However, this substitution occurs at a position that is conserved across species, and in silico analysis predicts this variant is probably damaging to the protein structure/function. In summary, based on the currently available information, it is unclear whether this variant is a pathogenic variant or a rare benign variant.